The following is an entry in ClinVar:

NM_000228.3(LAMB3):c.2914C>T (p.Arg972Ter)

Gene: LAMB3 (laminin subunit beta 3; minus strand). Cytogenetic location: 1q32.2.
Variant type: single nucleotide variant.
Coding change: c.2914C>T on transcript NM_000228.3 (MANE Select); coding-DNA position 2914, C replaced by T.
Protein change: p.Arg972Ter; replaces arginine 972 with a stop codon.
Molecular consequence: nonsense.
Genome position (GRCh38, 1-based): chr1:209,618,044, G>A on the plus strand (C>T on the coding strand, the complement: LAMB3 is on the minus strand). VCF-style: chr1-209618044-G-A. GRCh37 (hg19) VCF-style: chr1-209791389-G-A.
Other names: c.2914C>T, p.Arg972Ter (NM_001017402.2, NM_001127641.1); short protein forms R972*.
Identifiers: ClinVar variation 449050 (VCV000449050.20), dbSNP rs747916314, ClinGen allele CA1375045.

ClinVar aggregate classification (germline): Pathogenic/Likely pathogenic. Review status: criteria provided, multiple submitters, no conflicts (2 of 4 stars). 8 submissions from 7 submitters: Pathogenic (7); Likely pathogenic (1). Last evaluated 2025-07-15.

Conditions:
Junctional epidermolysis bullosa gravis of Herlitz. Also called: Epidermolysis Bullosa Letalis; Herlitz-type junctional epidermolysis bullosa; EPIDERMOLYSIS BULLOSA, JUNCTIONAL 1B, SEVERE; EPIDERMOLYSIS BULLOSA, JUNCTIONAL, HERLITZ-PEARSON TYPE; JEB-HERLITZ TYPE; EPIDERMOLYSIS BULLOSA JUNCTIONALIS, HERLITZ TYPE. Identifiers: Orphanet 79404, MedGen C0079683, MONDO:0009182, OMIM 226700.
Junctional epidermolysis bullosa, non-Herlitz type. Also called: Adult junctional epidermolysis bullosa; Epidermolysis bullosa, junctional, non-herlitz type, somatic mosaic revertant; COL17A1-Related Junctional Epidermolysis Bullosa; EPIDERMOLYSIS BULLOSA, JUNCTIONAL 1A, INTERMEDIATE; EPIDERMOLYSIS BULLOSA JUNCTIONALIS, PROGRESSIVE; EPIDERMOLYSIS BULLOSA JUNCTIONALIS, SEVERE NONLETHAL. Identifiers: Orphanet 251393, Orphanet 79402, Orphanet 79405, Orphanet 89840, MedGen C0268374, MONDO:0009180, OMIM 226650.
Amelogenesis imperfecta type 1A. Also called: Amelogenesis imperfecta, hypoplastic type; Amelogenesis imperfecta, type IA; AMELOGENESIS IMPERFECTA, HYPOPLASTIC TYPE IA; Amelogenesis imperfecta local hypoplastic. Identifiers: Orphanet 88661, MedGen C4011403, MONDO:0007094, OMIM 104530.
LAMB3-related disorder. Also called: LAMB3-related condition.
Junctional epidermolysis bullosa. Identifiers: Orphanet 305, MedGen C0079301, MONDO:0017612.

Allele frequency attached by ClinVar (database versions not stated): ExAC 0.00002; gnomAD exomes 0.00002; TOPMed 0.00002; gnomAD 0.00003.
gnomAD v4.1: 32 of 1,613,974 alleles (0.002%); highest among the groups gnomAD compares: South Asian, 0.0099%; no homozygotes.

Submissions (8):

First Genomix Gene Laboratory, Genetic Diagnostics Department
Classification: Pathogenic for Junctional epidermolysis bullosa, non-Herlitz type; Junctional epidermolysis bullosa gravis of Herlitz. Last evaluated: 2025-07-15. Review status: criteria provided, single submitter. Criteria: ACMG Guidelines, 2015. Collection method: clinical testing. Allele origin: germline. Inheritance: Autosomal recessive inheritance. Affected: no. Observed: 1 variant allele.

Blueprint Genetics
Classification: Pathogenic for LAMB3-related disorders. Last evaluated: 2024-11-20. Review status: criteria provided, single submitter. Criteria: ACMG Guidelines, 2015. Collection method: clinical testing. Allele origin: germline. Affected: yes. Observed: 5 variant alleles.

Fulgent Genetics
Classification: Pathogenic for Amelogenesis imperfecta type 1A; Junctional epidermolysis bullosa, non-Herlitz type; Junctional epidermolysis bullosa gravis of Herlitz. Last evaluated: 2024-06-15. Review status: criteria provided, single submitter. Criteria: ACMG Guidelines, 2015. Collection method: clinical testing. Allele origin: germline.

Labcorp Genetics (formerly Invitae), Labcorp
Classification: Pathogenic. Last evaluated: 2024-01-04. Review status: criteria provided, single submitter. Criteria: Invitae Variant Classification Sherloc (09022015). Collection method: clinical testing. Allele origin: germline.
Comment: This sequence change creates a premature translational stop signal (p.Arg972*) in the LAMB3 gene. It is expected to result in an absent or disrupted protein product. Loss-of-function variants in LAMB3 are known to be pathogenic (PMID: 11023379, 16473856). This variant is present in population databases (rs747916314, gnomAD 0.01%). This premature translational stop signal has been observed in individuals with autosomal recessive junctional epidermolysis bullosa (PMID: 9242513, 28830826). ClinVar contains an entry for this variant (Variation ID: 449050). For these reasons, this variant has been classified as Pathogenic.

Women's Health and Genetics/Laboratory Corporation of America, LabCorp
Classification: Pathogenic for Junctional epidermolysis bullosa. Last evaluated: 2022-11-03. Review status: criteria provided, single submitter. Criteria: LabCorp Variant Classification Summary - May 2015. Collection method: clinical testing. Allele origin: germline.
Comment: Variant summary: LAMB3 c.2914C>T (p.Arg972X) results in a premature termination codon, predicted to cause a truncation of the encoded protein or absence of the protein due to nonsense mediated decay, which are commonly known mechanisms for disease. Truncations downstream of this position have been classified as pathogenic by our laboratory. The variant allele was found at a frequency of 2e-05 in 251406 control chromosomes. c.2914C>T has been reported in the literature in individuals affected with Herlitz Junctional Epidermolysis Bullosa. These data indicate that the variant is likely to be associated with disease. Two clinical diagnostic laboratories have submitted clinical-significance assessments for this variant to ClinVar after 2014 without evidence for independent evaluation. All laboratories classified the variant as pathogenic. Based on the evidence outlined above, the variant was classified as pathogenic.

GeneDx
Classification: Pathogenic. Last evaluated: 2020-11-18. Review status: criteria provided, single submitter. Criteria: GeneDx Variant Classification Process June 2021. Collection method: clinical testing. Allele origin: germline. Affected: yes.
Comment: Nonsense variant predicted to result in protein truncation or nonsense mediated decay in a gene for which loss-of-function is a known mechanism of disease; This variant is associated with the following publications: (PMID: 25525159, 28830826, 24617447, 9242513, 12813757)

Neuberg Centre For Genomic Medicine, NCGM
Classification: Pathogenic for Junctional epidermolysis bullosa gravis of Herlitz. Review status: criteria provided, single submitter. Criteria: ACMG Guidelines, 2015. Collection method: clinical testing. Allele origin: germline. Inheritance: Autosomal recessive inheritance. Affected: yes.
Comment: The stop-gained variant c.2914C>T p.Arg972Ter in the LAMB3 gene has been reported in the compound heterozygous and homozygous state in individuals affected with Epidermolysis bullosa Yoshida et al., 2014; Pfendner et al., 2003. This variant is reported with the allele frequency 0.001% in the gnomAD Exomes and novel not in any individuals in 1000 Genomes. It has been submitted to ClinVar as Pathogenic. This variant is predicted to cause a loss of normal protein function through protein truncation. Loss of function variants has been previously reported to be disease causing. For these reasons, this variant has been classified as Pathogenic.

Neuberg Centre For Genomic Medicine, NCGM
Classification: Likely pathogenic for Junctional epidermolysis bullosa, non-Herlitz type. Review status: criteria provided, single submitter. Criteria: ACMG Guidelines, 2015. Collection method: clinical testing. Allele origin: germline. Inheritance: Autosomal recessive inheritance. Affected: yes.

Literature cited by the submitters: PubMed 11023379 (cited by Labcorp Genetics (formerly Invitae), Labcorp); PubMed 16473856 (cited by Labcorp Genetics (formerly Invitae), Labcorp); PubMed 9242513 (cited by Labcorp Genetics (formerly Invitae), Labcorp and Women's Health and Genetics/Laboratory Corporation of America, LabCorp); PubMed 28830826 (cited by Labcorp Genetics (formerly Invitae), Labcorp and Women's Health and Genetics/Laboratory Corporation of America, LabCorp); PubMed 12813757 (cited by Women's Health and Genetics/Laboratory Corporation of America, LabCorp); PubMed 24617447 (cited by Women's Health and Genetics/Laboratory Corporation of America, LabCorp).